The following is an entry in ClinVar:

NM_001384140.1(PCDH15):c.1736_1737insAA (p.Tyr579Ter)

Gene: PCDH15 (protocadherin related 15; minus strand). Cytogenetic location: 10q21.1.
Variant type: Insertion.
Coding change: c.1736_1737insAA on transcript NM_001384140.1 (MANE Select); coding-DNA positions 1736 to 1737, AA inserted.
Protein change: p.Tyr579Ter; replaces tyrosine 579 with a stop codon.
Molecular consequence: nonsense. On other transcripts: frameshift variant (1).
Genome position: GRCh38 VCF-style: chr10-54153147-G-GTT. GRCh37 (hg19) VCF-style: chr10-55912907-G-GTT.
Other names: c.1751_1752insAA, p.Tyr584Ter (NM_001142763.2, NM_001142771.2); c.1736_1737insAA, p.Tyr579Ter (NM_001142764.2, NM_001142765.2, NM_001142766.2 and 6 more transcripts); c.1625_1626insAA, p.Tyr542Ter (NM_001142767.2); c.1670_1671insAA, p.Tyr557Ter (NM_001142768.2, NM_001142773.2, NM_001354404.2); c.1771_1772insAA, p.Tyr591Terfs (NM_001142769.4); c.1757_1758insAA, p.Tyr586Ter (NM_001354411.2); short protein forms Y542*, Y557*, Y579*, Y584*, Y586*, Y591*.
Identifiers: ClinVar variation 4816360 (VCV004816360.1).

ClinVar aggregate classification (germline): Likely pathogenic (1 of 4 stars; one submission).

Conditions:
Usher syndrome type 1F (USH1F). Also called: USHER SYNDROME, TYPE IF. Identifiers: Orphanet 231169, Orphanet 886, MedGen C1865885, MONDO:0011186, OMIM 602083.

Submission:

Natera, Inc.
Classification: Likely pathogenic for Usher syndrome type 1F. Last evaluated: 2024-06-20. Review status: criteria provided, single submitter. Criteria: Natera Variant Classification Schema (03/2026). Collection method: clinical testing. Allele origin: germline.
Comment: The c.1736_1737insAA variant in PCDH15 is a frameshift variant predicted to shift the reading frame and introduce a stop codon. This variant is expected to result in nonsense mediated decay, truncation, or a dysfunctional protein product. This variant is rare in the general population with a frequency below the threshold expected for the associated phenotype(s). Given the available evidence, this variant is classified as Likely Pathogenic.